The following is an entry in ClinVar:

ClinVar aggregate classification (germline): Uncertain significance (1 of 4 stars; one submission).

Submission:

Labcorp Genetics (formerly Invitae), Labcorp
Classification: Uncertain significance. Last evaluated: 2024-01-25. Review status: criteria provided, single submitter. Criteria: Invitae Variant Classification Sherloc (09022015). Collection method: clinical testing. Allele origin: germline.
Comment: This sequence change replaces valine, which is neutral and non-polar, with isoleucine, which is neutral and non-polar, at codon 1432 of the SCN3A protein (p.Val1432Ile). This variant is not present in population databases (gnomAD no frequency). This variant has not been reported in the literature in individuals affected with SCN3A-related conditions. An algorithm developed to predict the effect of missense changes on protein structure and function (PolyPhen-2) suggests that this variant is likely to be tolerated. In summary, the available evidence is currently insufficient to determine the role of this variant in disease. Therefore, it has been classified as a Variant of Uncertain Significance.

NM_006922.4(SCN3A):c.4294G>A (p.Val1432Ile)

Gene: SCN3A (sodium voltage-gated channel alpha subunit 3; minus strand). Cytogenetic location: 2q24.3.
Variant type: single nucleotide variant.
Coding change: c.4294G>A on transcript NM_006922.4 (MANE Select); coding-DNA position 4294, G replaced by A.
Protein change: p.Val1432Ile; replaces valine 1432 with isoleucine.
Molecular consequence: missense variant.
Genome position (GRCh38, 1-based): chr2:165,095,648, C>T on the plus strand (G>A on the coding strand, the complement: SCN3A is on the minus strand). VCF-style: chr2-165095648-C-T. GRCh37 (hg19) VCF-style: chr2-165952158-C-T.
Other names: c.4147G>A, p.Val1383Ile (NM_001081676.2, NM_001081677.2); short protein forms V1432I, V1383I.
Identifiers: ClinVar variation 2711332 (VCV002711332.3), dbSNP rs2468060405, ClinGen allele CA349023990.